The following is an entry in ClinVar:

NM_015213.4(DENND5A):c.3068A>G (p.Lys1023Arg)

Gene: DENND5A (DENN domain containing 5A; minus strand). Cytogenetic location: 11p15.4.
Variant type: single nucleotide variant.
Coding change: c.3068A>G on transcript NM_015213.4 (MANE Select); coding-DNA position 3068, A replaced by G.
Protein change: p.Lys1023Arg; replaces lysine 1023 with arginine.
Molecular consequence: missense variant. On other transcripts: non-coding transcript variant (1).
Genome position (GRCh38, 1-based): chr11:9,145,049, T>C on the plus strand (A>G on the coding strand, the complement: DENND5A is on the minus strand). VCF-style: chr11-9145049-T-C. GRCh37 (hg19) VCF-style: chr11-9166596-T-C.
Other names: c.3068A>G, p.Lys1023Arg (NM_001243254.2); c.2996A>G, p.Lys999Arg (NM_001348749.2); c.2780A>G, p.Lys927Arg (NM_001348750.2); c.3068A>G (NM_015213.3); short protein forms K1023R, K999R, K927R.
Identifiers: ClinVar variation 1473812 (VCV001473812.5), dbSNP rs372389104, ClinGen allele CA5877147.

ClinVar aggregate classification (germline): Uncertain significance. Review status: criteria provided, multiple submitters, no conflicts (2 of 4 stars). 2 submissions from 2 submitters: Uncertain significance (2). Last evaluated 2026-02-21.

Allele frequency attached by ClinVar (database versions not stated): ExAC 0.00003; gnomAD exomes 0.00003; gnomAD 0.00004 and 0.00005; ESP Exome Variant Server 0.00008; 1000 Genomes Project 30x 0.00031; 1000 Genomes Project 0.00040.
gnomAD v4.1: 17 of 1,614,130 alleles (0.0011%); highest among the groups gnomAD compares: African/African-American, 0.013%; no homozygotes.

Submissions (2):

GeneDx
Classification: Uncertain significance. Last evaluated: 2026-02-21. Review status: criteria provided, single submitter. Criteria: GeneDx Variant Classification Process June 2021. Collection method: clinical testing. Allele origin: germline.
Comment: In silico analysis suggests that this missense variant does not alter protein structure/function; Has not been previously published as pathogenic or benign to our knowledge

Labcorp Genetics (formerly Invitae), Labcorp
Classification: Uncertain significance. Last evaluated: 2025-08-29. Review status: criteria provided, single submitter. Criteria: Invitae Variant Classification Sherloc (09022015). Collection method: clinical testing. Allele origin: germline.
Comment: This sequence change replaces lysine, which is basic and polar, with arginine, which is basic and polar, at codon 1023 of the DENND5A protein (p.Lys1023Arg). This variant is present in population databases (rs372389104, gnomAD 0.01%). This variant has not been reported in the literature in individuals affected with DENND5A-related conditions. ClinVar contains an entry for this variant (Variation ID: 1473812). Invitae Evidence Modeling of protein sequence and biophysical properties (such as structural, functional, and spatial information, amino acid conservation, physicochemical variation, residue mobility, and thermodynamic stability) indicates that this missense variant is not expected to disrupt DENND5A protein function with a negative predictive value of 80%. In summary, the available evidence is currently insufficient to determine the role of this variant in disease. Therefore, it has been classified as a Variant of Uncertain Significance.